The following is an entry in ClinVar:

ClinVar aggregate classification (germline): Uncertain significance (1 of 4 stars; one submission).

Allele frequency attached by ClinVar (database versions not stated): ExAC 0.00001; gnomAD exomes 0.00001.
gnomAD v4.1: 3 of 1,577,522 alleles (0.00019%); highest among the groups gnomAD compares: Non-Finnish European, 0.00026%; no homozygotes.

Submission:

GeneDx
Classification: Uncertain significance. Last evaluated: 2023-01-30. Review status: criteria provided, single submitter. Criteria: GeneDx Variant Classification Process June 2021. Collection method: clinical testing. Allele origin: germline. Affected: yes.
Comment: In silico analysis supports that this missense variant does not alter protein structure/function; Has not been previously published as pathogenic or benign to our knowledge

NM_000814.6(GABRB3):c.128A>G (p.Lys43Arg)

Gene: GABRB3 (gamma-aminobutyric acid type A receptor subunit beta3; minus strand). Cytogenetic location: 15q12.
Variant type: single nucleotide variant.
Coding change: c.128A>G on transcript NM_000814.6 (MANE Select); coding-DNA position 128, A replaced by G.
Protein change: p.Lys43Arg; replaces lysine 43 with arginine.
Molecular consequence: missense variant. On other transcripts: 5 prime UTR variant (1).
Genome position (GRCh38, 1-based): chr15:26,772,725, T>C on the plus strand (A>G on the coding strand, the complement: GABRB3 is on the minus strand). VCF-style: chr15-26772725-T-C. GRCh37 (hg19) VCF-style: chr15-27017872-T-C.
Other names: c.-224A>G (NM_001278631.2); c.128A>G, p.Lys43Arg (NM_021912.5); short protein forms K43R.
Identifiers: ClinVar variation 2574540 (VCV002574540.1), dbSNP rs780661570, ClinGen allele CA7437551.